The following is an entry in ClinVar:

NM_004281.4(BAG3):c.1028G>C (p.Arg343Pro)

Gene: BAG3 (BAG cochaperone 3; plus strand). Cytogenetic location: 10q26.11.
Variant type: single nucleotide variant.
Coding change: c.1028G>C on transcript NM_004281.4 (MANE Select); coding-DNA position 1028, G replaced by C.
Protein change: p.Arg343Pro; replaces arginine 343 with proline.
Molecular consequence: missense variant.
Genome position (GRCh38, 1-based): chr10:119,676,582, G>C. VCF-style: chr10-119676582-G-C. GRCh37 (hg19) VCF-style: chr10-121436094-G-C.
Other names: short protein forms R343P.
Identifiers: ClinVar variation 429345 (VCV000429345.8), dbSNP rs774085746, ClinGen allele CA378296491.

ClinVar aggregate classification (germline): Uncertain significance. Review status: criteria provided, multiple submitters, no conflicts (2 of 4 stars). 3 submissions from 3 submitters: Uncertain significance (3). Last evaluated 2025-08-18.

Conditions:
Cardiovascular phenotype. Identifiers: MedGen CN230736.
Dilated cardiomyopathy 1HH (CMD1HH). Identifiers: Orphanet 154, MedGen C3151293, MONDO:0013479, OMIM 613881.
Myofibrillar myopathy 6. Identifiers: Orphanet 199340, MedGen C2751831, MONDO:0013061, OMIM 612954.

Allele frequency attached by ClinVar (database versions not stated): gnomAD 0.00003.
gnomAD v4.1: 2 of 1,613,910 alleles (0.00012%); highest among the groups gnomAD compares: Non-Finnish European, 0.00017%; no homozygotes.

Submissions (3):

Labcorp Genetics (formerly Invitae), Labcorp
Classification: Uncertain significance for Dilated cardiomyopathy 1HH; Myofibrillar myopathy 6. Last evaluated: 2025-08-18. Review status: criteria provided, single submitter. Criteria: Invitae Variant Classification Sherloc (09022015). Collection method: clinical testing. Allele origin: germline.
Comment: This sequence change replaces arginine, which is basic and polar, with proline, which is neutral and non-polar, at codon 343 of the BAG3 protein (p.Arg343Pro). This variant is present in population databases (no rsID available, gnomAD 0.007%). This variant has not been reported in the literature in individuals affected with BAG3-related conditions. ClinVar contains an entry for this variant (Variation ID: 429345). Invitae Evidence Modeling of protein sequence and biophysical properties (such as structural, functional, and spatial information, amino acid conservation, physicochemical variation, residue mobility, and thermodynamic stability) indicates that this missense variant is not expected to disrupt BAG3 protein function with a negative predictive value of 80%. In summary, the available evidence is currently insufficient to determine the role of this variant in disease. Therefore, it has been classified as a Variant of Uncertain Significance.

Ambry Genetics
Classification: Uncertain significance for Cardiovascular phenotype. Last evaluated: 2020-11-30. Review status: criteria provided, single submitter. Criteria: Ambry Variant Classification Scheme 2023. Collection method: clinical testing. Allele origin: germline.
Comment: The p.R343P variant (also known as c.1028G>C), located in coding exon 4 of the BAG3 gene, results from a G to C substitution at nucleotide position 1028. The arginine at codon 343 is replaced by proline, an amino acid with dissimilar properties. This amino acid position is not well conserved in available vertebrate species. In addition, the in silico prediction for this alteration is inconclusive. Since supporting evidence is limited at this time, the clinical significance of this alteration remains unclear.

GeneDx
Classification: Uncertain significance. Last evaluated: 2018-01-05. Review status: criteria provided, single submitter. Criteria: GeneDx Variant Classification (06012015). Collection method: clinical testing. Allele origin: germline. Affected: yes.
Comment: A variant of uncertain significance has been identified in the BAG3 gene. The R343P variant has not been published as pathogenic or been reported as benign to our knowledge. This variant is not observed in large population cohorts (Lek et al., 2016; 1000 Genomes Consortium et al., 2015; Exome Variant Server). The R343P variant is a non-conservative amino acid substitution, which is likely to impact secondary protein structure as these residues differ in polarity, charge, size and/or other properties. However, this substitution occurs at a position that is not conserved across species and in silico analysis suggests that this variant likely does not alter the protein structure/function.